The following is an entry in ClinVar:

NM_000295.5(SERPINA1):c.348C>G (p.Ile116Met)

Gene: SERPINA1 (serpin family A member 1; minus strand). Cytogenetic location: 14q32.13.
Variant type: single nucleotide variant.
Coding change: c.348C>G on transcript NM_000295.5 (MANE Select); coding-DNA position 348, C replaced by G.
Protein change: p.Ile116Met; replaces isoleucine 116 with methionine.
Molecular consequence: missense variant.
Genome position (GRCh38, 1-based): chr14:94,382,890, G>C on the plus strand (C>G on the coding strand, the complement: SERPINA1 is on the minus strand). VCF-style: chr14-94382890-G-C. GRCh37 (hg19) VCF-style: chr14-94849227-G-C.
Other names: c.348C>G, p.Ile116Met (NM_001002235.3, NM_001002236.3, NM_001127700.2 and 7 more transcripts); c.348C>G (NM_000295.4); short protein forms I116M.
Identifiers: ClinVar variation 593161 (VCV000593161.6), dbSNP rs759135389, ClinGen allele CA7327511.

ClinVar aggregate classification (germline): Uncertain significance. Review status: criteria provided, multiple submitters, no conflicts (2 of 4 stars). 2 submissions from 2 submitters: Uncertain significance (2). Last evaluated 2026-05-08.

Conditions:
SERPINA1-related disorder. Also called: SERPINA1-related condition; SerpinA1-related disorders.

Allele frequency attached by ClinVar (database versions not stated): ExAC 0.00001; gnomAD 0.00001; gnomAD exomes 0.00001; TOPMed 0.00002.

Submissions (2):

PreventionGenetics, part of Exact Sciences
Classification: Uncertain significance for SERPINA1-related condition. Last evaluated: 2026-05-08. Review status: criteria provided, single submitter. Criteria: ACMG Guidelines, 2015. Collection method: clinical testing. Allele origin: germline.
Comment: The SERPINA1 c.348C>G variant is predicted to result in the amino acid substitution p.Ile116Met. To our knowledge, this variant has not been reported in the literature. This variant is reported in 0.0023% of alleles in individuals of European (Non-Finnish) descent in gnomAD. At this time, the clinical significance of this variant is uncertain due to the absence of conclusive functional and genetic evidence.

Eurofins Ntd Llc (ga)
Classification: Uncertain significance. Last evaluated: 2017-07-10. Review status: criteria provided, single submitter. Criteria: EGL Classification Definitions 2015. Collection method: clinical testing. Allele origin: germline. Observed: 1 variant allele, 1 heterozygote.